The following is an entry in ClinVar:

ClinVar aggregate classification (germline): Conflicting classifications of pathogenicity. Review status: criteria provided, conflicting classifications (1 of 4 stars). 5 submissions from 5 submitters: Uncertain significance (1); Benign (2); Likely benign (2). Last evaluated 2026-07-01.

Conditions:
Cardiovascular phenotype. Identifiers: MedGen CN230736.
Familial hypercholesterolemia. Also called: Familial hypercholesterolemias; Familial hypercholesterolaemia. Identifiers: MedGen C0020445, MONDO:0005439.
Hypercholesterolemia, autosomal dominant, type B (FHCL2). Also called: Hyperlipoproteinemia Type IIb; Familial hypercholesterolemia 2; APOB-Related Familial Hypercholesterolemia, Autosomal Dominant; HYPERCHOLESTEROLEMIA, FAMILIAL, DUE TO LIGAND-DEFECTIVE APOLIPOPROTEIN B; Familial Hypercholesterolemia Type B; APOLIPOPROTEIN B-100, FAMILIAL DEFECTIVE. Identifiers: MedGen C1704417, MONDO:0007751, OMIM 144010.
Familial hypobetalipoproteinemia 1. Also called: APOB-Related Familial Hypobetalipoproteinemia; Hypobetalipoproteinemia, normotriglyceridemic; Acanthocytosis with hypobetalipoproteinemia. Identifiers: MedGen C4551990, MONDO:0014252, OMIM 615558.

Allele frequency attached by ClinVar (database versions not stated): gnomAD 0.00008 and 0.00011; TOPMed 0.00012; ESP Exome Variant Server 0.00015; 1000 Genomes Project 30x 0.00016; 1000 Genomes Project 0.00020; gnomAD exomes 0.00022; ExAC 0.00026.
gnomAD v4.1: 194 of 1,588,046 alleles (0.012%); highest among the groups gnomAD compares: South Asian, 0.14%; 1 homozygote.

Submissions (5):

CeGaT Center for Human Genetics Tuebingen
Classification: Likely benign. Last evaluated: 2026-07-01. Review status: criteria provided, single submitter. Criteria: CeGaT Center For Human Genetics Tuebingen Variant Classification Criteria Version 2. Collection method: clinical testing. Allele origin: germline. Affected: yes. Observed: 1 variant allele.
Comment: APOB: BP4, BS2

Cambridge Genomics Laboratory, East Genomic Laboratory Hub, NHS Genomic Medicine Service
Classification: Uncertain significance for Familial hypercholesterolaemia. Last evaluated: 2026-05-06. Review status: criteria provided, single submitter. Criteria: ACGS Best Practice Guidelines for Variant Classification in Rare Disease 2020. Collection method: clinical testing. Allele origin: germline. Affected: yes.

Labcorp Genetics (formerly Invitae), Labcorp
Classification: Likely benign for Familial hypobetalipoproteinemia 1; Hypercholesterolemia, autosomal dominant, type B. Last evaluated: 2026-01-06. Review status: criteria provided, single submitter. Criteria: Invitae Variant Classification Sherloc (09022015). Collection method: clinical testing. Allele origin: germline.

Ambry Genetics
Classification: Benign for Cardiovascular phenotype. Last evaluated: 2024-10-29. Review status: criteria provided, single submitter. Criteria: Ambry Variant Classification Scheme 2023. Collection method: clinical testing. Allele origin: germline.

Dr.Nikuei Genetic Center
Classification: Benign for Hypercholesterolemia, autosomal dominant, type B. Last evaluated: 2024-06-29. Review status: criteria provided, single submitter. Criteria: ACMG Guidelines, 2015. Collection method: clinical testing. Allele origin: germline. Affected: no.

Literature cited by the submitters: PubMed 20657596 (cited by Ambry Genetics).

NM_000384.3(APOB):c.6656G>A (p.Arg2219His)

Gene: APOB (apolipoprotein B; minus strand). Cytogenetic location: 2p24.1.
Variant type: single nucleotide variant.
Coding change: c.6656G>A on transcript NM_000384.3 (MANE Select); coding-DNA position 6656, G replaced by A.
Protein change: p.Arg2219His; replaces arginine 2219 with histidine.
Molecular consequence: missense variant.
Genome position (GRCh38, 1-based): chr2:21,010,212, C>T on the plus strand (G>A on the coding strand, the complement: APOB is on the minus strand). VCF-style: chr2-21010212-C-T. GRCh37 (hg19) VCF-style: chr2-21233084-C-T.
Other names: short protein forms R2219H.
Identifiers: ClinVar variation 334130 (VCV000334130.25), dbSNP rs200106845, ClinGen allele CA063423.
Genomic context (GRCh38, chr2:21,010,212, plus strand): 5'-TTAAAATCAATATTTTCAATAAACAAATGTAGATCATGGATTGTTTTTACTAAATTTACA[C>T]GGATATGATAGTGCTCATCAAGACTTTTTAATTTTTCAATGATTTCATCAATAATATTAG-3'
Protein context (NP_000375.3, residues 2209-2229): LKSLDEHYHI[Arg2219His]VNLVKTIHDL